The following is an entry in ClinVar:

NM_003036.4(SKI):c.2173_2184dup (p.Pro728_Ter729insGluLeuGluPro)

Gene: SKI (SKI proto-oncogene; plus strand). Cytogenetic location: 1p36.32.
Variant type: Duplication.
Coding change: c.2173_2184dup on transcript NM_003036.4 (MANE Select); coding-DNA positions 2173 to 2184, 12 bases duplicated (GAGCTGGAGCCG).
Protein change: p.Pro728_Ter729insGluLeuGluPro.
Molecular consequence: inframe insertion.
Genome position (GRCh38, 1-based): chr1:2,306,751-2,306,762, GAGCTGGAGCCG duplicated; duplicating any 12 consecutive bases within chr1:2,306,749-2,306,762 gives the same sequence; the c. name uses the placement nearest the transcript's 3' end. VCF-style (leftmost placement, unchanged base first): chr1-2306748-G-GCGGAGCTGGAGC. GRCh37 (hg19) VCF-style: chr1-2238187-G-GCGGAGCTGGAGC.
Identifiers: ClinVar variation 2579415 (VCV002579415.2), dbSNP rs2521524920, ClinGen allele CA2573334995.

ClinVar aggregate classification (germline): Uncertain significance (1 of 4 stars; one submission).

Submission:

GeneDx
Classification: Uncertain significance. Last evaluated: 2023-09-22. Review status: criteria provided, single submitter. Criteria: GeneDx Variant Classification Process June 2021. Collection method: clinical testing. Allele origin: germline. Affected: yes.
Comment: Normal stop codon changed to a Glu codon, leading to the addition of 4 amino acids at the C-terminus; Not observed at significant frequency in large population cohorts (gnomAD); Has not been previously published as pathogenic or benign to our knowledge